The following is an entry in ClinVar:

ClinVar aggregate classification (germline): Uncertain significance (1 of 4 stars; one submission).

Conditions:
Short-rib thoracic dysplasia 10 with or without polydactyly (SRTD10). Identifiers: Orphanet 474, MedGen C3810175, MONDO:0014284, OMIM 615630.
Retinitis pigmentosa 71 (RP71). Identifiers: Orphanet 791, MedGen C4225342, MONDO:0014618, OMIM 616394.

Submission:

Labcorp Genetics (formerly Invitae), Labcorp
Classification: Uncertain significance for Retinitis pigmentosa 71; Short-rib thoracic dysplasia 10 with or without polydactyly. Last evaluated: 2024-09-09. Review status: criteria provided, single submitter. Criteria: Invitae Variant Classification Sherloc (09022015). Collection method: clinical testing. Allele origin: germline.
Comment: This variant, c.195_196delinsTT, is a complex sequence change that results in the deletion of 2 and insertion of 2 amino acid(s) in the IFT172 protein (p.Lys65_Ser66delinsAsnCys). Information on the frequency of this variant in the gnomAD database is not available, as this variant may be reported differently in the database. This variant has not been reported in the literature in individuals affected with IFT172-related conditions. ClinVar contains an entry for this variant (Variation ID: 1495597). Experimental studies and prediction algorithms are not available or were not evaluated, and the functional significance of this variant is currently unknown. In summary, the available evidence is currently insufficient to determine the role of this variant in disease. Therefore, it has been classified as a Variant of Uncertain Significance.

NM_015662.3(IFT172):c.195_196delinsTT (p.Lys65_Ser66delinsAsnCys)

Gene: IFT172 (intraflagellar transport 172; minus strand). Cytogenetic location: 2p23.3.
Variant type: Indel.
Coding change: c.195_196delinsTT on transcript NM_015662.3 (MANE Select); coding-DNA positions 195 to 196, GA replaced by TT.
Protein change: p.Lys65_Ser66delinsAsnCys.
Molecular consequence: missense variant.
Genome position (GRCh38, 1-based): chr2:27,485,118-27,485,119, TC replaced by AA on the plus strand (GA replaced by TT on the coding strand, the reverse complement: IFT172 is on the minus strand). VCF-style: chr2-27485118-TC-AA. GRCh37 (hg19) VCF-style: chr2-27707985-TC-AA.
Identifiers: ClinVar variation 1495597 (VCV001495597.8), dbSNP rs2148559359, ClinGen allele CA2573134447.